The following is an entry in ClinVar:

ClinVar aggregate classification (germline): Conflicting classifications of pathogenicity. Review status: criteria provided, conflicting classifications (1 of 4 stars). 5 submissions from 5 submitters: Uncertain significance (4); Likely benign (1). Last evaluated 2025-06-09.

Conditions:
BRCA2-related cancer predisposition. Identifiers: MedGen CN377758, MONDO:0700269.
Hereditary cancer-predisposing syndrome. Also called: Neoplastic Syndromes, Hereditary; Tumor predisposition; Hereditary neoplastic syndrome; Hereditary Cancer Syndrome. Identifiers: Orphanet 140162, MedGen C0027672, MeSH D009386, MONDO:0015356.
Hereditary breast ovarian cancer syndrome. Also called: Hereditary breast and ovarian cancer; Hereditary breast and/or ovarian cancer syndrome; BRCA1- and BRCA2-Associated Hereditary Breast and Ovarian Cancer; Hereditary breast and ovarian cancer syndrome; Hereditary breast and ovarian cancer syndrome (HBOC); Breast and ovarian cancer. Identifiers: Orphanet 145, MedGen C0677776, MeSH D061325, MONDO:0003582. Disease mechanism: loss of function.

gnomAD v4.1: 1 of 1,613,486 alleles (0.000062%); highest among the groups gnomAD compares: East Asian, 0.0022%; no homozygotes.

Submissions (5):

Labcorp Genetics (formerly Invitae), Labcorp
Classification: Uncertain significance for Hereditary breast ovarian cancer syndrome. Last evaluated: 2025-06-09. Review status: criteria provided, single submitter. Criteria: Invitae Variant Classification Sherloc (09022015). Collection method: clinical testing. Allele origin: germline.
Comment: This sequence change replaces aspartic acid, which is acidic and polar, with valine, which is neutral and non-polar, at codon 988 of the BRCA2 protein (p.Asp988Val). This variant is present in population databases (no rsID available, gnomAD 0.006%). This variant has not been reported in the literature in individuals affected with BRCA2-related conditions. ClinVar contains an entry for this variant (Variation ID: 1363386). Invitae Evidence Modeling of protein sequence and biophysical properties (such as structural, functional, and spatial information, amino acid conservation, physicochemical variation, residue mobility, and thermodynamic stability) indicates that this missense variant is not expected to disrupt BRCA2 protein function with a negative predictive value of 95%. In summary, the available evidence is currently insufficient to determine the role of this variant in disease. Therefore, it has been classified as a Variant of Uncertain Significance.

All of Us Research Program, National Institutes of Health
Classification: Uncertain significance for BRCA2-related cancer predisposition. Last evaluated: 2024-05-14. Review status: criteria provided, single submitter. Criteria: ACMG Guidelines, 2015. Collection method: clinical testing. Allele origin: germline. Inheritance: Autosomal dominant inheritance. Observed: 2 variant alleles, 2 heterozygotes.
Comment: This missense variant replaces aspartic acid with valine at codon 988 of the BRCA2 protein. Computational prediction suggests that this variant may not impact protein structure and function. To our knowledge, functional studies have not been reported for this variant. This variant has been reported in two individuals affected with breast cancer (PMID: 33471991; Leiden Open Variation Database DB-ID BRCA2_008013). This variant has been identified in 1/250106 chromosomes in the general population by the Genome Aggregation Database (gnomAD). The available evidence is insufficient to determine the role of this variant in disease conclusively. Therefore, this variant is classified as a Variant of Uncertain Significance.

This study involves interpretation of variants in research participants for the purpose of population health screening. Participant phenotype was not available at the time of variant classification. Additional details can be found in publication PMID: 35346344, PMCID: PMC8962531

Ambry Genetics
Classification: Uncertain significance for Hereditary cancer-predisposing syndrome. Last evaluated: 2023-11-30. Review status: criteria provided, single submitter. Criteria: Ambry Variant Classification Scheme 2023. Collection method: clinical testing. Allele origin: germline.
Comment: The p.D988V variant (also known as c.2963A>T), located in coding exon 10 of the BRCA2 gene, results from an A to T substitution at nucleotide position 2963. The aspartic acid at codon 988 is replaced by valine, an amino acid with highly dissimilar properties. This amino acid position is not well conserved in available vertebrate species. In addition, the in silico prediction for this alteration is inconclusive. Since supporting evidence is limited at this time, the clinical significance of this alteration remains unclear.

University of Washington Department of Laboratory Medicine, University of Washington
Classification: Likely benign for Hereditary cancer-predisposing syndrome. Last evaluated: 2023-03-23. Review status: criteria provided, single submitter. Criteria: Dines et al. (Genet Med. 2020). Collection method: curation. Allele origin: germline.
Comment: Missense variant in a coldspot region where missense variants are very unlikely to be pathogenic (PMID:31911673).

BRCA2 exon 11 coldspot. Reclassification based on statistical prior probability.

Sema4
Classification: Uncertain significance for Hereditary cancer-predisposing syndrome. Last evaluated: 2022-01-10. Review status: criteria provided, single submitter. Criteria: Sema4 Curation Guidelines. Collection method: curation. Allele origin: germline.
Comment: The BRCA2 c.2963A>T (p.D988V) variant is reported in a large breast cancer case control study in 2/60,466 cases and 0/53,461 controls (PMID 33471991). This variant was observed in 1/250106 chromosomes among all subpopulations in the Genome Aggregation Database (PMID: 32461654). This variant has not been reported in ClinVar. In silico tools suggest the impact of the variant on protein function is inconclusive, although a study assessing BRCA1/2 variants by computational analyses suggests the variant to be neutral (PMID 29884841). The overall evidence is insufficient to meet ACMG/AMP criteria for classifying it as benign or pathogenic. In summary, the clinical significance of this variant is currently uncertain.

Literature cited by the submitters: PubMed 33471991 (cited by All of Us Research Program, National Institutes of Health and Sema4); PubMed 29884841 (cited by Sema4).

NM_000059.4(BRCA2):c.2963A>T (p.Asp988Val)

Gene: BRCA2 (BRCA2 DNA repair associated; plus strand). Cytogenetic location: 13q13.1.
Variant type: single nucleotide variant.
Coding change: c.2963A>T on transcript NM_000059.4 (MANE Select); coding-DNA position 2963, A replaced by T.
Protein change: p.Asp988Val; replaces aspartic acid 988 with valine.
Molecular consequence: missense variant.
Genome position (GRCh38, 1-based): chr13:32,337,318, A>T. VCF-style: chr13-32337318-A-T. GRCh37 (hg19) VCF-style: chr13-32911455-A-T.
Other names: short protein forms D988V.
Identifiers: ClinVar variation 1363386 (VCV001363386.12), dbSNP rs876659509, ClinGen allele CA387774469.